The following is an entry in ClinVar:

ClinVar aggregate classification (germline): Uncertain significance. Review status: criteria provided, multiple submitters, no conflicts (2 of 4 stars). 3 submissions from 3 submitters: Uncertain significance (2). 1 of the submissions does not count toward it. Last evaluated 2025-09-10.

Conditions:
Deficiency of butyrylcholinesterase (BCHED). Also called: Deficiency of butyrylcholine esterase; Butyrylcholinesterase deficiency; Acholinesterasemia; BCHE, silent 1. Identifiers: Orphanet 132, MedGen C1283400, MONDO:0015270, OMIM 617936.

Allele frequency attached by ClinVar (database versions not stated): ExAC 0.00002; gnomAD exomes 0.00004; gnomAD 0.00005 and 0.00006; TOPMed 0.00005; ESP Exome Variant Server 0.00015.
gnomAD v4.1: 92 of 1,612,108 alleles (0.0057%); highest among the groups gnomAD compares: East Asian, 0.022%; no homozygotes.

Submissions (3):

Genomic Medicine Center of Excellence, King Faisal Specialist Hospital and Research Centre
Classification: Uncertain significance for Deficiency of butyrylcholinesterase. Last evaluated: 2025-09-10. Review status: criteria provided, single submitter. Criteria: ACMG Guidelines, 2015. Collection method: clinical testing. Allele origin: germline.

Women's Health and Genetics/Laboratory Corporation of America, LabCorp
Classification: Uncertain significance. Last evaluated: 2025-03-26. Review status: criteria provided, single submitter. Criteria: LabCorp Variant Classification Summary - May 2015. Collection method: clinical testing. Allele origin: germline.
Comment: Variant summary: BCHE c.1627C>T (p.Arg543Cys) results in a non-conservative amino acid change located in the Carboxylesterase, type B domain (IPR002018) of the encoded protein sequence. Five of five in-silico tools predict a damaging effect of the variant on protein function. The variant allele was found at a frequency of 3.6e-05 in 250836 control chromosomes. The available data on variant occurrences in the general population are insufficient to allow any conclusion about variant significance. c.1627C>T has been reported in the literature as a "silent" variant in compound heterozygous genotype in individuals affected with Deficiency Of Butyrylcholine Esterase (example, Maekawa_1995, Asanuma_1999, Lando_2003). These report(s) do not provide unequivocal conclusions about association of the variant with Deficiency Of Butyrylcholine Esterase. To our knowledge, no experimental evidence demonstrating an impact on protein function has been reported. The following publications have been ascertained in the context of this evaluation (PMID: 10404729, 12724618, 25448037, 7634491, 20589221). ClinVar contains an entry for this variant (Variation ID: 551540). Based on the evidence outlined above, the variant was classified as uncertain significance.

Counsyl
Classification: Likely pathogenic for Deficiency of butyrylcholinesterase. Last evaluated: 2017-04-17. Review status: no assertion criteria provided. Collection method: clinical testing. Allele origin: unknown. Not counted in ClinVar's aggregate classification.

Literature cited by the submitters: PubMed 12724618 (cited by Women's Health and Genetics/Laboratory Corporation of America, LabCorp); PubMed 25448037 (cited by Women's Health and Genetics/Laboratory Corporation of America, LabCorp); PubMed 20589221 (cited by Women's Health and Genetics/Laboratory Corporation of America, LabCorp); PubMed 10404729 (cited by Women's Health and Genetics/Laboratory Corporation of America, LabCorp and Counsyl); PubMed 7634491 (cited by Women's Health and Genetics/Laboratory Corporation of America, LabCorp and Counsyl); PubMed 9191541 (cited by Counsyl).

NM_000055.4(BCHE):c.1627C>T (p.Arg543Cys)

Gene: BCHE (butyrylcholinesterase; minus strand). Cytogenetic location: 3q26.1.
Variant type: single nucleotide variant.
Coding change: c.1627C>T on transcript NM_000055.4 (MANE Select); coding-DNA position 1627, C replaced by T.
Protein change: p.Arg543Cys; replaces arginine 543 with cysteine.
Molecular consequence: missense variant. On other transcripts: non-coding transcript variant (2).
Genome position (GRCh38, 1-based): chr3:165,786,202, G>A on the plus strand (C>T on the coding strand, the complement: BCHE is on the minus strand). VCF-style: chr3-165786202-G-A. GRCh37 (hg19) VCF-style: chr3-165503990-G-A.
Other names: short protein forms R543C.
Identifiers: ClinVar variation 551540 (VCV000551540.6), dbSNP rs199660374, ClinGen allele CA2692253.